The following is an entry in ClinVar:

ClinVar aggregate classification (germline): Uncertain significance (1 of 4 stars; one submission).

Conditions:
Neurodevelopmental disorder. Identifiers: MedGen C1535926, MeSH D065886, MONDO:0700092.

gnomAD v4.1: 1 of 1,200,328 alleles (0.000083%); highest among the groups gnomAD compares: Non-Finnish European, 0.00011%; no homozygotes.

Submission:

Developmental Brain Disorders Lab, Seattle Children's Hospital
Classification: Uncertain significance for Neurodevelopmental disorder. Last evaluated: 2025-05-01. Review status: criteria provided, single submitter. Criteria: ACMG Guidelines, 2015. Collection method: research. Allele origin: maternal. Affected: yes.
Comment: This is a missense variant that is absent in gnomAD v4.1.0. It is predicted to have a deleterious effect through computational prediction tools. It meets ACMG variant classification criteria (PM2, PP3) (PMID:25741868)

NM_001282874.2(SMARCA1):c.1514T>C (p.Val505Ala)

Gene: SMARCA1 (SNF2 related chromatin remodeling ATPase 1; minus strand). Cytogenetic location: Xq25.
Variant type: single nucleotide variant.
Coding change: c.1514T>C on transcript NM_001282874.2 (MANE Select); coding-DNA position 1514, T replaced by C.
Protein change: p.Val505Ala; replaces valine 505 with alanine.
Molecular consequence: missense variant.
Genome position (GRCh38, 1-based): chrX:129,496,862, A>G on the plus strand (T>C on the coding strand, the complement: SMARCA1 is on the minus strand). VCF-style: chrX-129496862-A-G. GRCh37 (hg19) VCF-style: chrX-128630839-A-G.
Other names: c.1514T>C, p.Val505Ala (NM_001282875.2, NM_001378261.1, NM_001378262.1 and 3 more transcripts); short protein forms V505A.
Identifiers: ClinVar variation 3901126 (VCV003901126.1).